The following is an entry in ClinVar:

NM_000352.6(ABCC8):c.4549A>G (p.Asn1517Asp)

Gene: ABCC8 (ATP binding cassette subfamily C member 8; minus strand). Cytogenetic location: 11p15.1.
Variant type: single nucleotide variant.
Coding change: c.4549A>G on transcript NM_000352.6 (MANE Select); coding-DNA position 4549, A replaced by G.
Protein change: p.Asn1517Asp; replaces asparagine 1517 with aspartic acid.
Molecular consequence: missense variant. On other transcripts: non-coding transcript variant (1).
Genome position (GRCh38, 1-based): chr11:17,393,756, T>C on the plus strand (A>G on the coding strand, the complement: ABCC8 is on the minus strand). VCF-style: chr11-17393756-T-C. GRCh37 (hg19) VCF-style: chr11-17415303-T-C.
Other names: c.4552A>G, p.Asn1518Asp (NM_001287174.3); c.4615A>G, p.Asn1539Asp (NM_001351295.2); c.4549A>G, p.Asn1517Asp (NM_001351296.2); c.4546A>G, p.Asn1516Asp (NM_001351297.2); short protein forms N1516D, N1517D, N1518D, N1539D.
Identifiers: ClinVar variation 3391528 (VCV003391528.3).

ClinVar aggregate classification (germline): Uncertain significance. Review status: criteria provided, multiple submitters, no conflicts (2 of 4 stars). 2 submissions from 2 submitters: Uncertain significance (2). Last evaluated 2024-06-17.

Submissions (2):

GeneDx
Classification: Uncertain significance. Last evaluated: 2024-06-17. Review status: criteria provided, single submitter. Criteria: GeneDx Variant Classification Process June 2021. Collection method: clinical testing. Allele origin: germline. Affected: yes.
Comment: Not observed at significant frequency in large population cohorts (gnomAD); In silico analysis indicates that this missense variant does not alter protein structure/function; In silico analysis suggests this variant may impact gene splicing. In the absence of RNA/functional studies, the actual effect of this sequence change is unknown.; Has not been previously published as pathogenic or benign to our knowledge

Labcorp Genetics (formerly Invitae), Labcorp
Classification: Uncertain significance. Last evaluated: 2024-04-08. Review status: criteria provided, single submitter. Criteria: Invitae Variant Classification Sherloc (09022015). Collection method: clinical testing. Allele origin: germline.
Comment: This sequence change replaces asparagine, which is neutral and polar, with aspartic acid, which is acidic and polar, at codon 1517 of the ABCC8 protein (p.Asn1517Asp). This variant is present in population databases (no rsID available, gnomAD 0.0009%). This variant has not been reported in the literature in individuals affected with ABCC8-related conditions. Advanced modeling of protein sequence and biophysical properties (such as structural, functional, and spatial information, amino acid conservation, physicochemical variation, residue mobility, and thermodynamic stability) performed at Invitae indicates that this missense variant is not expected to disrupt ABCC8 protein function with a negative predictive value of 95%. Algorithms developed to predict the effect of sequence changes on RNA splicing suggest that this variant may create or strengthen a splice site. In summary, the available evidence is currently insufficient to determine the role of this variant in disease. Therefore, it has been classified as a Variant of Uncertain Significance.